The following is an entry in ClinVar:

ClinVar aggregate classification (germline): Uncertain significance (1 of 4 stars; one submission).

Conditions:
Familial cold autoinflammatory syndrome 2 (FCAS2). Identifiers: Orphanet 247868, MedGen C2673198, MONDO:0012724, OMIM 611762.

gnomAD v4.1: 3 of 1,613,378 alleles (0.00019%); highest among the groups gnomAD compares: African/African-American, 0.0013%; no homozygotes.

Submission:

Labcorp Genetics (formerly Invitae), Labcorp
Classification: Uncertain significance for Familial cold autoinflammatory syndrome 2. Last evaluated: 2019-03-04. Review status: criteria provided, single submitter. Criteria: Invitae Variant Classification Sherloc (09022015). Collection method: clinical testing. Allele origin: germline.
Comment: In summary, the available evidence is currently insufficient to determine the role of this variant in disease. Therefore, it has been classified as a Variant of Uncertain Significance. Algorithms developed to predict the effect of missense changes on protein structure and function are either unavailable or do not agree on the potential impact of this missense change (SIFT: "Deleterious"; PolyPhen-2: "Benign"; Align-GVGD: "Class C0"). This variant has not been reported in the literature in individuals with NLRP12-related conditions. This variant is not present in population databases (ExAC no frequency). This sequence change replaces proline with leucine at codon 99 of the NLRP12 protein (p.Pro99Leu). The proline residue is moderately conserved and there is a moderate physicochemical difference between proline and leucine.

NM_144687.4(NLRP12):c.296C>T (p.Pro99Leu)

Gene: NLRP12 (NLR family pyrin domain containing 12; minus strand). Cytogenetic location: 19q13.42.
Variant type: single nucleotide variant.
Coding change: c.296C>T on transcript NM_144687.4 (MANE Select); coding-DNA position 296, C replaced by T.
Protein change: p.Pro99Leu; replaces proline 99 with leucine.
Molecular consequence: missense variant.
Genome position (GRCh38, 1-based): chr19:53,814,982, G>A on the plus strand (C>T on the coding strand, the complement: NLRP12 is on the minus strand). VCF-style: chr19-53814982-G-A. GRCh37 (hg19) VCF-style: chr19-54318236-G-A.
Other names: c.296C>T, p.Pro99Leu (NM_001277126.2, NM_001277129.1); short protein forms P99L.
Identifiers: ClinVar variation 859577 (VCV000859577.9), dbSNP rs1271514228, ClinGen allele CA407417817.
Genomic context (GRCh38, chr19:53,814,982, plus strand): 5'-ACAAGAGAGACTTCCAGAAGGCATGTTGACTGGTTCCCAAGTGAGGACGGGCCACCAGGT[G>A]GGGTATCTGGAAGAGAAATTGTGGAAGATGAGCTAGCACGCATCTGGCTAGTAGCACCGC-3'
Protein context (NP_653288.1, residues 89-109): GQREDLVRDT[Pro99Leu]PGGPSSLGNQ